The following is an entry in ClinVar:

ClinVar aggregate classification (germline): Uncertain significance. Review status: criteria provided, multiple submitters, no conflicts (2 of 4 stars). 4 submissions from 4 submitters: Uncertain significance (4). Last evaluated 2025-06-12.

Conditions:
CFTR-related disorder (CFTR-RD). Also called: CFTR-related disorders; CFTR-related condition. Identifiers: MedGen C5924204, MONDO:7770004.
Cystic fibrosis (CF). Also called: MUCOVISCIDOSIS. Identifiers: Orphanet 586, MedGen C0010674, MONDO:0009061, OMIM 219700. Disease mechanism: loss of function.

Allele frequency attached by ClinVar (database versions not stated): gnomAD 0.00001; gnomAD exomes 0.00001 and 0.00002; TOPMed 0.00001.
gnomAD v4.1: 28 of 1,613,778 alleles (0.0017%); highest among the groups gnomAD compares: Non-Finnish European, 0.0024%; no homozygotes.

Submissions (4):

Labcorp Genetics (formerly Invitae), Labcorp
Classification: Uncertain significance for Cystic fibrosis. Last evaluated: 2025-06-12. Review status: criteria provided, single submitter. Criteria: Invitae Variant Classification Sherloc (09022015). Collection method: clinical testing. Allele origin: germline.
Comment: This sequence change replaces arginine, which is basic and polar, with methionine, which is neutral and non-polar, at codon 3 of the CFTR protein (p.Arg3Met). This variant is present in population databases (no rsID available, gnomAD 0.002%). This variant has not been reported in the literature in individuals affected with CFTR-related conditions. ClinVar contains an entry for this variant (Variation ID: 908194). Invitae Evidence Modeling of protein sequence and biophysical properties (such as structural, functional, and spatial information, amino acid conservation, physicochemical variation, residue mobility, and thermodynamic stability) has been performed for this missense variant. However, the output from this modeling did not meet the statistical confidence thresholds required to predict the impact of this variant on CFTR protein function. In summary, the available evidence is currently insufficient to determine the role of this variant in disease. Therefore, it has been classified as a Variant of Uncertain Significance.

Blueprint Genetics
Classification: Uncertain significance. Last evaluated: 2024-08-22. Review status: criteria provided, single submitter. Criteria: ACMG Guidelines, 2015. Collection method: clinical testing. Allele origin: germline.

Ambry Genetics
Classification: Uncertain significance for Cystic fibrosis. Last evaluated: 2021-01-20. Review status: criteria provided, single submitter. Criteria: Ambry Variant Classification Scheme 2023. Collection method: clinical testing. Allele origin: germline.
Comment: The p.R3M variant (also known as c.8G>T), located in coding exon 1 of the CFTR gene, results from a G to T substitution at nucleotide position 8. The arginine at codon 3 is replaced by methionine, an amino acid with similar properties. This amino acid position is poorly conserved in available vertebrate species. In addition, the in silico prediction for this alteration is inconclusive. Since supporting evidence is limited at this time, the clinical significance of this variant remains unclear.

Illumina Laboratory Services, Illumina
Classification: Uncertain significance for CFTR-Related Disorders. Last evaluated: 2018-01-12. Review status: criteria provided, single submitter. Criteria: ICSL Variant Classification Criteria 13 December 2019. Collection method: clinical testing. Allele origin: germline.

NM_000492.4(CFTR):c.8G>T (p.Arg3Met)

Gene: CFTR (CF transmembrane conductance regulator; plus strand). Cytogenetic location: 7q31.2.
Variant type: single nucleotide variant.
Coding change: c.8G>T on transcript NM_000492.4 (MANE Select); coding-DNA position 8, G replaced by T.
Protein change: p.Arg3Met; replaces arginine 3 with methionine.
Molecular consequence: missense variant.
Genome position (GRCh38, 1-based): chr7:117,480,102, G>T. VCF-style: chr7-117480102-G-T. GRCh37 (hg19) VCF-style: chr7-117120156-G-T.
Other names: short protein forms R3M.
Identifiers: ClinVar variation 908194 (VCV000908194.9), dbSNP rs1052894635, ClinGen allele CA164948889.